The following is an entry in ClinVar:

ClinVar aggregate classification (germline): Conflicting classifications of pathogenicity. Review status: criteria provided, conflicting classifications (1 of 4 stars). 2 submissions from 2 submitters: Likely pathogenic (1); Uncertain significance (1). Last evaluated 2024-05-22.

Conditions:
Glycogen storage disease, type VI (GSD6). Also called: HERS DISEASE; PHOSPHORYLASE DEFICIENCY GLYCOGEN-STORAGE DISEASE OF LIVER; Glycogen storage disease type 6; Hepatic glycogen phosphorylase deficiency; Glycogen storage disease type 6, due to phosphorylation; GSD VI. Identifiers: Orphanet 369, MedGen C0017925, MONDO:0009294, OMIM 232700.

Allele frequency attached by ClinVar (database versions not stated): gnomAD below 0.00001 and 0.00001; TOPMed below 0.00001; ExAC 0.00002; gnomAD exomes 0.00002.

Submissions (2):

Labcorp Genetics (formerly Invitae), Labcorp
Classification: Likely pathogenic for Glycogen storage disease, type VI. Last evaluated: 2024-05-22. Review status: criteria provided, single submitter. Criteria: Invitae Variant Classification Sherloc (09022015). Collection method: clinical testing. Allele origin: germline.
Comment: This sequence change affects codon 506 of the PYGL mRNA. It is a 'silent' change, meaning that it does not change the encoded amino acid sequence of the PYGL protein. This variant also falls at the last nucleotide of exon 12, which is part of the consensus splice site for this exon. This variant is present in population databases (rs748519147, gnomAD 0.02%). This variant has been observed in individual(s) with clinical features of glycogen storage disease type VI (PMID: 25266922; Invitae). ClinVar contains an entry for this variant (Variation ID: 578046). Variants that disrupt the consensus splice site are a relatively common cause of aberrant splicing (PMID: 17576681, 9536098). Algorithms developed to predict the effect of sequence changes on RNA splicing suggest that this variant may disrupt the consensus splice site. In summary, the currently available evidence indicates that the variant is pathogenic, but additional data are needed to prove that conclusively. Therefore, this variant has been classified as Likely Pathogenic.

3billion
Classification: Uncertain significance for Glycogen storage disease, type VI. Last evaluated: 2022-03-22. Review status: criteria provided, single submitter. Criteria: ACMG Guidelines, 2015. Collection method: clinical testing. Allele origin: germline. Affected: yes. Observed: 1 homozygote.
Comment: The variant is observed at an extremely low frequency in the gnomAD v2.1.1 dataset (total allele frequency:0.0000239). In silico tools predict the variant to alter splicing and produce an abnormal transcript (SPLICEAI: 0.88>=0.8). Therefore, this variant is classified as uncertain significance according to the recommendation of ACMG/AMP guideline.

Literature cited by the submitters: PubMed 25266922 (cited by Labcorp Genetics (formerly Invitae), Labcorp); PubMed 17576681 (cited by Labcorp Genetics (formerly Invitae), Labcorp); PubMed 9536098 (cited by Labcorp Genetics (formerly Invitae), Labcorp).

NM_002863.5(PYGL):c.1518G>A (p.Glu506=)

Gene: PYGL (glycogen phosphorylase L; minus strand). Cytogenetic location: 14q22.1.
Variant type: single nucleotide variant.
Coding change: c.1518G>A on transcript NM_002863.5 (MANE Select); coding-DNA position 1518, G replaced by A.
Protein change: p.Glu506=; no amino-acid change (glutamic acid 506 retained).
Molecular consequence: synonymous variant.
Genome position (GRCh38, 1-based): chr14:50,914,701, C>T on the plus strand (G>A on the coding strand, the complement: PYGL is on the minus strand). VCF-style: chr14-50914701-C-T. GRCh37 (hg19) VCF-style: chr14-51381419-C-T.
Other names: c.1416G>A, p.Glu472= (NM_001163940.2).
Identifiers: ClinVar variation 578046 (VCV000578046.12), dbSNP rs748519147, ClinGen allele CA7183453.
Genomic context (GRCh38, chr14:50,914,701, plus strand): 5'-TAGTCATATGCCTCTTGCATTCGAGTCAGGCCTCCTTTCCTCTCAGCACTTCCCAGTTAC[C>T]TCTGCTATGAGCTCTGCAAGTCCTGGGTTGCAGAGTAGGAGCCAGCGCCTTGGAGTGATC-3'
Protein context (NP_002854.3, residues 496-516): CNPGLAELIA[Glu506=]KIGEDYVKDL